The following is an entry in ClinVar:

ClinVar aggregate classification (germline): Uncertain significance (1 of 4 stars; one submission).

Conditions:
Bardet-Biedl syndrome (BBS). Identifiers: Orphanet 110, MedGen C0752166, MONDO:0015229.

Submission:

Labcorp Genetics (formerly Invitae), Labcorp
Classification: Uncertain significance for Bardet-Biedl syndrome. Last evaluated: 2022-01-20. Review status: criteria provided, single submitter. Criteria: Invitae Variant Classification Sherloc (09022015). Collection method: clinical testing. Allele origin: germline.
Comment: In summary, the available evidence is currently insufficient to determine the role of this variant in disease. Therefore, it has been classified as a Variant of Uncertain Significance. Experimental studies and prediction algorithms are not available or were not evaluated, and the functional significance of this variant is currently unknown. This variant has not been reported in the literature in individuals affected with BBS10-related conditions. This variant is present in population databases (rs748894736, gnomAD 0.007%). This variant, c.1673_1675del, results in the deletion of 1 amino acid(s) of the BBS10 protein (p.Ser558del), but otherwise preserves the integrity of the reading frame.

NM_024685.4(BBS10):c.1673_1675del (p.Ser558del)

Gene: BBS10 (Bardet-Biedl syndrome 10; minus strand). Cytogenetic location: 12q21.2.
Variant type: Deletion.
Coding change: c.1673_1675del on transcript NM_024685.4 (MANE Select); coding-DNA positions 1673 to 1675, 3 bases deleted (CTT; older notation c.1673_1675delCTT).
Protein change: p.Ser558del; deletes serine 558.
Molecular consequence: inframe deletion.
Genome position (GRCh38, 1-based): chr12:76,346,310-76,346,312, AAG deleted on the plus strand (CTT on the coding strand, the reverse complement: BBS10 is on the minus strand); deleting any 3 consecutive bases within chr12:76,346,310-76,346,314 gives the same sequence; the c. name uses the placement nearest the transcript's 3' end. VCF-style (leftmost placement, unchanged base first): chr12-76346309-TAAG-T. GRCh37 (hg19) VCF-style: chr12-76740089-TAAG-T.
Other names: short protein forms S558del.
Identifiers: ClinVar variation 2088157 (VCV002088157.4), dbSNP rs748894736, ClinGen allele CA6694127.